The following is an entry in ClinVar:

NM_000548.5(TSC2):c.1088A>G (p.Asn363Ser)

Gene: TSC2 (TSC complex subunit 2; plus strand). Cytogenetic location: 16p13.3.
Variant type: single nucleotide variant.
Coding change: c.1088A>G on transcript NM_000548.5 (MANE Select); coding-DNA position 1088, A replaced by G.
Protein change: p.Asn363Ser; replaces asparagine 363 with serine.
Molecular consequence: missense variant.
Genome position (GRCh38, 1-based): chr16:2,060,782, A>G. VCF-style: chr16-2060782-A-G. GRCh37 (hg19) VCF-style: chr16-2110783-A-G.
Other names: c.1088A>G, p.Asn363Ser (NM_001077183.3, NM_001114382.3, NM_001363528.2 and 3 more transcripts); c.977A>G, p.Asn326Ser (NM_001318827.2); c.941A>G, p.Asn314Ser (NM_001318829.2); c.488A>G, p.Asn163Ser (NM_001318831.2); c.1121A>G, p.Asn374Ser (NM_001318832.2); short protein forms N363S, N163S, N326S, N374S, N314S.
Identifiers: ClinVar variation 575343 (VCV000575343.7), dbSNP rs1567423658, ClinGen allele CA394318153.

ClinVar aggregate classification (germline): Uncertain significance. Review status: criteria provided, multiple submitters, no conflicts (2 of 4 stars). 2 submissions from 2 submitters: Uncertain significance (2). Last evaluated 2024-07-07.

Conditions:
Tuberous sclerosis 2 (TSC2). Identifiers: Orphanet 805, MedGen C1860707, MONDO:0013199, OMIM 613254.
Hereditary cancer-predisposing syndrome. Also called: Hereditary neoplastic syndrome; Tumor predisposition; Hereditary Cancer Syndrome; Neoplastic Syndromes, Hereditary. Identifiers: Orphanet 140162, MedGen C0027672, MeSH D009386, MONDO:0015356.

Submissions (2):

Ambry Genetics
Classification: Uncertain significance for Hereditary cancer-predisposing syndrome. Last evaluated: 2024-07-07. Review status: criteria provided, single submitter. Criteria: Ambry Variant Classification Scheme 2023. Collection method: clinical testing. Allele origin: germline.
Comment: The p.N363S variant (also known as c.1088A>G), located in coding exon 10 of the TSC2 gene, results from an A to G substitution at nucleotide position 1088. The asparagine at codon 363 is replaced by serine, an amino acid with highly similar properties. This amino acid position is conserved. In addition, this alteration is predicted to be tolerated by in silico analysis. Based on the available evidence, the clinical significance of this variant remains unclear.

Labcorp Genetics (formerly Invitae), Labcorp
Classification: Uncertain significance for Tuberous sclerosis 2. Last evaluated: 2021-09-02. Review status: criteria provided, single submitter. Criteria: Invitae Variant Classification Sherloc (09022015). Collection method: clinical testing. Allele origin: germline.
Comment: This sequence change replaces asparagine with serine at codon 363 of the TSC2 protein (p.Asn363Ser). The asparagine residue is weakly conserved and there is a small physicochemical difference between asparagine and serine. This variant is not present in population databases (ExAC no frequency). This variant has not been reported in the literature in individuals affected with TSC2-related conditions. Algorithms developed to predict the effect of missense changes on protein structure and function output the following: SIFT: "Tolerated"; PolyPhen-2: "Benign"; Align-GVGD: "Class C0". The serine amino acid residue is found in multiple mammalian species, which suggests that this missense change does not adversely affect protein function. In summary, the available evidence is currently insufficient to determine the role of this variant in disease. Therefore, it has been classified as a Variant of Uncertain Significance.